The following is an entry in ClinVar:

ClinVar aggregate classification (germline): Uncertain significance. Review status: criteria provided, multiple submitters, no conflicts (2 of 4 stars). 2 submissions from 2 submitters: Uncertain significance (2). Last evaluated 2025-07-04.

Conditions:
Hereditary cancer-predisposing syndrome. Also called: Neoplastic Syndromes, Hereditary; Tumor predisposition; Hereditary Cancer Syndrome; Hereditary neoplastic syndrome. Identifiers: Orphanet 140162, MedGen C0027672, MeSH D009386, MONDO:0015356.

Allele frequency attached by ClinVar (database versions not stated): gnomAD 0.00001; TOPMed 0.00001; gnomAD exomes 0.00002.
gnomAD v4.1: 29 of 1,611,296 alleles (0.0018%); highest among the groups gnomAD compares: Non-Finnish European, 0.0024%; no homozygotes.

Submissions (2):

Ambry Genetics
Classification: Uncertain significance for Hereditary cancer-predisposing syndrome. Last evaluated: 2025-07-04. Review status: criteria provided, single submitter. Criteria: Ambry Variant Classification Scheme 2023. Collection method: clinical testing. Allele origin: germline.
Comment: The p.T172A variant (also known as c.514A>G), located in coding exon 5 of the EPCAM gene, results from an A to G substitution at nucleotide position 514. The threonine at codon 172 is replaced by alanine, an amino acid with similar properties. This amino acid position is conserved. In addition, this alteration is predicted to be tolerated by in silico analysis. Since supporting evidence is limited at this time, the clinical significance of this alteration remains unclear.

Genetic Services Laboratory, University of Chicago
Classification: Uncertain significance. Last evaluated: 2020-01-13. Review status: criteria provided, single submitter. Criteria: ACMG Guidelines, 2015. Collection method: clinical testing. Allele origin: germline. Affected: no.

NM_002354.3(EPCAM):c.514A>G (p.Thr172Ala)

Gene: EPCAM (epithelial cell adhesion molecule; plus strand). Cytogenetic location: 2p21.
Variant type: single nucleotide variant.
Coding change: c.514A>G on transcript NM_002354.3 (MANE Select); coding-DNA position 514, A replaced by G.
Protein change: p.Thr172Ala; replaces threonine 172 with alanine.
Molecular consequence: missense variant.
Genome position (GRCh38, 1-based): chr2:47,377,036, A>G. VCF-style: chr2-47377036-A-G. GRCh37 (hg19) VCF-style: chr2-47604175-A-G.
Other names: short protein forms T172A.
Identifiers: ClinVar variation 1337520 (VCV001337520.7), dbSNP rs754496546, ClinGen allele CA46641868.
Genomic context (GRCh38, chr2:47,377,036, plus strand): 5'-AACATTTTTTTTTAATACAGATTTTAAATTCTTTACAGTGCACTTCAGAAGGAGATCACA[A>G]CGCGTTATCAACTGGATCCAAAATTTATCACGAGTATTTTGGTATGATTTTTTAATAAGT-3'
Protein context (NP_002345.2, residues 162-182): LRTALQKEIT[Thr172Ala]RYQLDPKFIT